The following is an entry in ClinVar:

NM_000726.5(CACNB4):c.618+20T>C

Gene: CACNB4 (calcium voltage-gated channel auxiliary subunit beta 4; minus strand). Cytogenetic location: 2q23.3.
Variant type: single nucleotide variant.
Coding change: c.618+20T>C on transcript NM_000726.5 (MANE Select); 20 bases into the intron after coding-DNA position 618, T replaced by C.
Molecular consequence: intron variant.
Genome position (GRCh38, 1-based): chr2:151,870,822, A>G on the plus strand (T>C on the coding strand, the complement: CACNB4 is on the minus strand). VCF-style: chr2-151870822-A-G. GRCh37 (hg19) VCF-style: chr2-152727336-A-G.
Other names: c.618+20T>C (NM_001145798.2); c.545-211T>C (NM_001330113.2); c.564+20T>C (NM_001005746.4); c.497-211T>C (NM_001330115.2); c.516+20T>C (NM_001005747.4); c.458-211T>C (NM_001330116.2); c.-36-211T>C (NM_001330114.2); c.477+20T>C (NM_001320722.3, NM_001330118.1); and 1 more.
Identifiers: ClinVar variation 382196 (VCV000382196.1), dbSNP rs1057521279, ClinGen allele CA16603888.

ClinVar aggregate classification (germline): Likely benign (1 of 4 stars; one submission).

Submission:

GeneDx
Classification: Likely benign. Last evaluated: 2015-12-08. Review status: criteria provided, single submitter. Criteria: GeneDx Variant Classification (06012015). Collection method: clinical testing. Allele origin: germline. Affected: yes.
Comment: This variant is considered likely benign or benign based on one or more of the following criteria: it is a conservative change, it occurs at a poorly conserved position in the protein, it is predicted to be benign by multiple in silico algorithms, and/or has population frequency not consistent with disease.